The following is an entry in ClinVar:

NM_017617.5(NOTCH1):c.1100-14C>T

Gene: NOTCH1 (notch receptor 1; minus strand). Cytogenetic location: 9q34.3.
Variant type: single nucleotide variant.
Coding change: c.1100-14C>T on transcript NM_017617.5 (MANE Select); 14 bases into the intron before coding-DNA position 1100, C replaced by T.
Molecular consequence: intron variant.
Genome position (GRCh38, 1-based): chr9:136,518,306, G>A on the plus strand (C>T on the coding strand, the complement: NOTCH1 is on the minus strand). VCF-style: chr9-136518306-G-A. GRCh37 (hg19) VCF-style: chr9-139412758-G-A.
Other names: c.1100-14C>T (LRG_1122t1).
Identifiers: ClinVar variation 512122 (VCV000512122.11), dbSNP rs562148507, ClinGen allele CA5341910.

ClinVar aggregate classification (germline): Benign/Likely benign. Review status: criteria provided, multiple submitters, no conflicts (2 of 4 stars). 5 submissions from 4 submitters: Benign (3); Likely benign (2). Last evaluated 2026-02-01.

Conditions:
Adams-Oliver syndrome 5 (AOS5). Identifiers: Orphanet 974, MedGen C4014970, MONDO:0014459, OMIM 616028.
Aortic valve disease 1 (AOVD1). Identifiers: MedGen C3887892, MONDO:0024523, OMIM 109730.

Allele frequency attached by ClinVar (database versions not stated): gnomAD exomes 0.00008 and 0.00022; ExAC 0.00022; gnomAD 0.00053 and 0.00056; 1000 Genomes Project 30x 0.00062; TOPMed 0.00077; 1000 Genomes Project 0.00080.
gnomAD v4.1: 223 of 1,606,256 alleles (0.014%); highest among the groups gnomAD compares: African/African-American, 0.12%; 1 homozygote.

Submissions (5):

Labcorp Genetics (formerly Invitae), Labcorp
Classification: Benign for Adams-Oliver syndrome 5. Last evaluated: 2026-02-01. Review status: criteria provided, single submitter. Criteria: Invitae Variant Classification Sherloc (09022015). Collection method: clinical testing. Allele origin: germline.

Blueprint Genetics
Classification: Likely benign. Last evaluated: 2024-09-09. Review status: criteria provided, single submitter. Criteria: ACMG Guidelines, 2015. Collection method: clinical testing. Allele origin: germline.

Genome-Nilou Lab
Classification: Benign for Adams-Oliver syndrome 5. Last evaluated: 2022-03-15. Review status: criteria provided, single submitter. Criteria: ACMG Guidelines, 2015. Collection method: clinical testing. Allele origin: germline. Affected: no.

Genome-Nilou Lab
Classification: Benign for Aortic valve disease 1. Last evaluated: 2022-03-15. Review status: criteria provided, single submitter. Criteria: ACMG Guidelines, 2015. Collection method: clinical testing. Allele origin: germline. Affected: no.

GeneDx
Classification: Likely benign. Last evaluated: 2017-09-15. Review status: criteria provided, single submitter. Criteria: GeneDx Variant Classification (06012015). Collection method: clinical testing. Allele origin: germline. Affected: yes.
Comment: This variant is considered likely benign or benign based on one or more of the following criteria: it is a conservative change, it occurs at a poorly conserved position in the protein, it is predicted to be benign by multiple in silico algorithms, and/or has population frequency not consistent with disease.